The following is an entry in ClinVar:

ClinVar aggregate classification (germline): Uncertain significance (1 of 4 stars; one submission).

Conditions:
Dilated cardiomyopathy 1DD (CMD1DD). Identifiers: Orphanet 154, MedGen C2750995, MONDO:0013168, OMIM 613172.

gnomAD v4.1: 2 of 1,551,430 alleles (0.00013%); highest among the groups gnomAD compares: South Asian, 0.0012%; no homozygotes.

Submission:

Labcorp Genetics (formerly Invitae), Labcorp
Classification: Uncertain significance for Dilated cardiomyopathy 1DD. Last evaluated: 2024-12-30. Review status: criteria provided, single submitter. Criteria: Invitae Variant Classification Sherloc (09022015). Collection method: clinical testing. Allele origin: germline.
Comment: This sequence change replaces proline, which is neutral and non-polar, with serine, which is neutral and polar, at codon 464 of the RBM20 protein (p.Pro464Ser). This variant is not present in population databases (gnomAD no frequency). This variant has not been reported in the literature in individuals affected with RBM20-related conditions. Invitae Evidence Modeling of protein sequence and biophysical properties (such as structural, functional, and spatial information, amino acid conservation, physicochemical variation, residue mobility, and thermodynamic stability) indicates that this missense variant is not expected to disrupt RBM20 protein function with a negative predictive value of 95%. In summary, the available evidence is currently insufficient to determine the role of this variant in disease. Therefore, it has been classified as a Variant of Uncertain Significance.

NM_001134363.3(RBM20):c.1390C>T (p.Pro464Ser)

Gene: RBM20 (RNA binding motif protein 20; plus strand). Cytogenetic location: 10q25.2.
Variant type: single nucleotide variant.
Coding change: c.1390C>T on transcript NM_001134363.3 (MANE Select); coding-DNA position 1390, C replaced by T.
Protein change: p.Pro464Ser; replaces proline 464 with serine.
Molecular consequence: missense variant.
Genome position (GRCh38, 1-based): chr10:110,784,393, C>T. VCF-style: chr10-110784393-C-T. GRCh37 (hg19) VCF-style: chr10-112544151-C-T.
Other names: short protein forms P464S.
Identifiers: ClinVar variation 3693529 (VCV003693529.2).